The following is an entry in ClinVar:

ClinVar aggregate classification (germline): Uncertain significance (1 of 4 stars; one submission).

Submission:

Ambry Genetics
Classification: Uncertain significance. Last evaluated: 2024-09-30. Review status: criteria provided, single submitter. Criteria: Ambry Variant Classification Scheme 2023. Collection method: clinical testing. Allele origin: germline.
Comment: The p.T330K variant (also known as c.989C>A), located in coding exon 5 of the GALNT12 gene, results from a C to A substitution at nucleotide position 989. The threonine at codon 330 is replaced by lysine, an amino acid with similar properties. This amino acid position is conserved. In addition, the in silico prediction for this alteration is inconclusive. Based on the available evidence, the clinical significance of this variant remains unclear.

NM_024642.5(GALNT12):c.989C>A (p.Thr330Lys)

Gene: GALNT12 (polypeptide N-acetylgalactosaminyltransferase 12; plus strand). Cytogenetic location: 9q22.33.
Variant type: single nucleotide variant.
Coding change: c.989C>A on transcript NM_024642.5 (MANE Select); coding-DNA position 989, C replaced by A.
Protein change: p.Thr330Lys; replaces threonine 330 with lysine.
Molecular consequence: missense variant.
Genome position (GRCh38, 1-based): chr9:98,835,320, C>A. VCF-style: chr9-98835320-C-A. GRCh37 (hg19) VCF-style: chr9-101597602-C-A.
Other names: short protein forms T330K.
Identifiers: ClinVar variation 3518503 (VCV003518503.1).